The following is an entry in ClinVar:

NM_004380.3(CREBBP):c.2996C>T (p.Thr999Met)

Gene: CREBBP (CREB binding lysine acetyltransferase; minus strand). Cytogenetic location: 16p13.3.
Variant type: single nucleotide variant.
Coding change: c.2996C>T on transcript NM_004380.3 (MANE Select); coding-DNA position 2996, C replaced by T.
Protein change: p.Thr999Met; replaces threonine 999 with methionine.
Molecular consequence: missense variant.
Genome position (GRCh38, 1-based): chr16:3,769,238, G>A on the plus strand (C>T on the coding strand, the complement: CREBBP is on the minus strand). VCF-style: chr16-3769238-G-A. GRCh37 (hg19) VCF-style: chr16-3819239-G-A.
Other names: c.2882C>T, p.Thr961Met (NM_001079846.1); c.2996C>T (NM_004380.2); short protein forms T999M, T961M.
Identifiers: ClinVar variation 2174003 (VCV002174003.31), dbSNP rs772991403, ClinGen allele CA7869974.
Genomic context (GRCh38, chr16:3,769,238, plus strand): 5'-GACCTGGGCTCCCCTTTGGATTCACCAGGATCGGGCTCAGTGTCCTCTGCTTGGGTCTCC[G>A]TCTTCATTTCCAGCACAGGTACGTCAGGTCCTGGCTGCTGGGAATTGGTTTCTGCGCTGG-3'
Protein context (NP_004371.2, residues 989-1009): GPDVPVLEMK[Thr999Met]ETQAEDTEPD

ClinVar aggregate classification (germline): Benign/Likely benign. Review status: criteria provided, multiple submitters, no conflicts (2 of 4 stars). 3 submissions from 3 submitters: Benign (1); Likely benign (1). 1 of the submissions does not count toward it. Last evaluated 2024-11-07.

Conditions:
CREBBP-related disorder. Also called: CREBBP-related condition; CREBBP-related disorders.
Rubinstein-Taybi syndrome (RSTS). Identifiers: Orphanet 783, MedGen C0035934, MONDO:0019188.

Allele frequency attached by ClinVar (database versions not stated): ExAC 0.00002; gnomAD exomes 0.00002; TOPMed 0.00002; gnomAD 0.00003.
gnomAD v4.1: 30 of 1,614,034 alleles (0.0019%); highest among the groups gnomAD compares: Admixed American, 0.01%; no homozygotes.

Submissions (3):

Labcorp Genetics (formerly Invitae), Labcorp
Classification: Benign for Rubinstein-Taybi syndrome. Last evaluated: 2024-11-07. Review status: criteria provided, single submitter. Criteria: Invitae Variant Classification Sherloc (09022015). Collection method: clinical testing. Allele origin: germline.

CeGaT Center for Human Genetics Tuebingen
Classification: Likely benign. Last evaluated: 2023-05-01. Review status: criteria provided, single submitter. Criteria: CeGaT Center For Human Genetics Tuebingen Variant Classification Criteria Version 2. Collection method: clinical testing. Allele origin: germline. Affected: yes. Observed: 1 variant allele.
Comment: CREBBP: PP2, BP4, BS1

PreventionGenetics, part of Exact Sciences
Classification: Uncertain significance for CREBBP-related condition. Last evaluated: 2024-07-17. Review status: no assertion criteria provided. Collection method: clinical testing. Allele origin: germline. Not counted in ClinVar's aggregate classification.
Comment: The CREBBP c.2996C>T variant is predicted to result in the amino acid substitution p.Thr999Met. To our knowledge, this variant has not been reported in the literature. This variant is reported in 0.011% of alleles in individuals of Latino descent in gnomAD. Although we suspect that this variant may be benign, at this time, the clinical significance of this variant is uncertain due to the absence of conclusive functional and genetic evidence.